The following is an entry in ClinVar:

ClinVar aggregate classification (germline): Uncertain significance (1 of 4 stars; one submission).

Submission:

Labcorp Genetics (formerly Invitae), Labcorp
Classification: Uncertain significance. Last evaluated: 2024-02-15. Review status: criteria provided, single submitter. Criteria: Invitae Variant Classification Sherloc (09022015). Collection method: clinical testing. Allele origin: germline.
Comment: This sequence change replaces arginine, which is basic and polar, with glycine, which is neutral and non-polar, at codon 79 of the KMT2B protein (p.Arg79Gly). This variant is not present in population databases (gnomAD no frequency). This variant has not been reported in the literature in individuals affected with KMT2B-related conditions. Advanced modeling of protein sequence and biophysical properties (such as structural, functional, and spatial information, amino acid conservation, physicochemical variation, residue mobility, and thermodynamic stability) has been performed at Invitae for this missense variant, however the output from this modeling did not meet the statistical confidence thresholds required to predict the impact of this variant on KMT2B protein function. In summary, the available evidence is currently insufficient to determine the role of this variant in disease. Therefore, it has been classified as a Variant of Uncertain Significance.

NM_014727.3(KMT2B):c.235C>G (p.Arg79Gly)

Gene: KMT2B (lysine methyltransferase 2B; plus strand). Cytogenetic location: 19q13.12.
Variant type: single nucleotide variant.
Coding change: c.235C>G on transcript NM_014727.3 (MANE Select); coding-DNA position 235, C replaced by G.
Protein change: p.Arg79Gly; replaces arginine 79 with glycine.
Molecular consequence: missense variant.
Genome position (GRCh38, 1-based): chr19:35,718,253, C>G. VCF-style: chr19-35718253-C-G. GRCh37 (hg19) VCF-style: chr19-36209155-C-G.
Other names: short protein forms R79G.
Identifiers: ClinVar variation 3641113 (VCV003641113.2).
Genomic context (GRCh38, chr19:35,718,253, plus strand): 5'-GCCGAGCCCGGGGAGGACACGGCCCTGCTCCGTTTGCTGGGGCTCCGCCGGGGCCTGCGC[C>G]GGCTCCGCCGCCTGTGGGCCGGCCCGCGGGTCCAGCGGGGCCGGGGACGGGGTCGGGGCC-3'
Protein context (NP_055542.1, residues 69-89): RLLGLRRGLR[Arg79Gly]LRRLWAGPRV